The following is an entry in ClinVar:

ClinVar aggregate classification (germline): Likely benign. Review status: criteria provided, multiple submitters, no conflicts (2 of 4 stars). 3 submissions from 3 submitters: Likely benign (3). Last evaluated 2025-12-02.

Conditions:
Polyglandular autoimmune syndrome, type 1 (APS1). Also called: PGA I; AUTOIMMUNE POLYENDOCRINE SYNDROME, TYPE I, WITH OR WITHOUT REVERSIBLE METAPHYSEAL DYSPLASIA; APS I; Autoimmune polyendocrinopathy syndrome, type I; Whitaker syndrome; Autoimmune polyendocrine syndrome type 1. Identifiers: Orphanet 3453, MedGen C0085859, MONDO:0009411, OMIM 240300.

Allele frequency attached by ClinVar (database versions not stated): gnomAD 0.00001; ExAC 0.00004.
gnomAD v4.1: 30 of 1,571,096 alleles (0.0019%); highest among the groups gnomAD compares: Non-Finnish European, 0.0024%; no homozygotes.

Submissions (3):

Labcorp Genetics (formerly Invitae), Labcorp
Classification: Likely benign for Polyglandular autoimmune syndrome, type 1. Last evaluated: 2025-12-02. Review status: criteria provided, single submitter. Criteria: Invitae Variant Classification Sherloc (09022015). Collection method: clinical testing. Allele origin: germline.

Blueprint Genetics
Classification: Likely benign. Last evaluated: 2022-05-27. Review status: criteria provided, single submitter. Criteria: ACMG Guidelines, 2015. Collection method: clinical testing. Allele origin: germline.

GeneDx
Classification: Likely benign. Last evaluated: 2017-05-23. Review status: criteria provided, single submitter. Criteria: GeneDx Variant Classification (06012015). Collection method: clinical testing. Allele origin: germline. Affected: yes.
Comment: This variant is considered likely benign or benign based on one or more of the following criteria: it is a conservative change, it occurs at a poorly conserved position in the protein, it is predicted to be benign by multiple in silico algorithms, and/or has population frequency not consistent with disease.

NM_000383.4(AIRE):c.1053G>A (p.Arg351=)

Gene: AIRE (autoimmune regulator; plus strand). Cytogenetic location: 21q22.3.
Variant type: single nucleotide variant.
Coding change: c.1053G>A on transcript NM_000383.4 (MANE Select); coding-DNA position 1053, G replaced by A.
Protein change: p.Arg351=; no amino-acid change (arginine 351 retained).
Molecular consequence: synonymous variant.
Genome position (GRCh38, 1-based): chr21:44,292,359, G>A. VCF-style: chr21-44292359-G-A. GRCh37 (hg19) VCF-style: chr21-45712242-G-A.
Other names: c.1053G>A (LRG_18t1).
Identifiers: ClinVar variation 509909 (VCV000509909.10), dbSNP rs760115494, ClinGen allele CA10051907.